The following is an entry in ClinVar:

ClinVar aggregate classification (germline): Uncertain significance (1 of 4 stars; one submission).

Conditions:
Cardiomyopathy (CMYO). Also called: Cardiomyopathies. Identifiers: Orphanet 167848, MedGen C0878544, MONDO:0004994, HP:0001638. Inheritance: Various modes of inheritance.

Allele frequency attached by ClinVar (database versions not stated): TOPMed below 0.00001; ExAC 0.00001; gnomAD 0.00001.
gnomAD v4.1: 5 of 1,602,510 alleles (0.00031%); highest among the groups gnomAD compares: Admixed American, 0.0034%; no homozygotes.

Submission:

Color Diagnostics, LLC DBA Color Health
Classification: Uncertain significance for Cardiomyopathy. Last evaluated: 2023-11-08. Review status: criteria provided, single submitter. Criteria: ACMG Guidelines, 2015. Collection method: clinical testing. Allele origin: germline.
Comment: This variant is located in the 5' untranslated region of the DSP gene. To our knowledge, functional studies have not been reported for this variant. This variant has not been reported in individuals affected with DSP-related disorders in the literature. This variant has been identified in 2/217892 chromosomes in the general population by the Genome Aggregation Database (gnomAD). The available evidence is insufficient to determine the role of this variant in disease conclusively. Therefore, this variant is classified as a Variant of Uncertain Significance.

NM_004415.4(DSP):c.-15C>T

Genes: DSP (desmoplakin; plus strand), DSP-AS1 (DSP antisense RNA 1; minus strand). Cytogenetic location: 6p24.3.
Variant type: single nucleotide variant.
Coding change: c.-15C>T on transcript NM_004415.4 (MANE Select); 15 bases upstream of the start codon, C replaced by T.
Molecular consequence: 5 prime UTR variant.
Genome position (GRCh38, 1-based): chr6:7,541,901, C>T. VCF-style: chr6-7541901-C-T. GRCh37 (hg19) VCF-style: chr6-7542134-C-T.
Other names: c.-15C>T (NM_001008844.3, NM_001319034.2, NM_001406591.1).
Identifiers: ClinVar variation 2775251 (VCV002775251.2), dbSNP rs780759932, ClinGen allele CA029103.